The following is an entry in ClinVar:

NC_000023.11:g.154350197_154350208del

Gene: FLNA (filamin A; minus strand). Cytogenetic location: Xq28.
Variant type: Deletion.
Genome position: GRCh38 VCF-style: chrX-154350195-ACAGCATACTTAT-A. GRCh37 (hg19) VCF-style: chrX-153578563-ACAGCATACTTAT-A.
Identifiers: ClinVar variation 2948208 (VCV002948208.3), dbSNP rs2522715193, ClinGen allele CA2740090172.

ClinVar aggregate classification (germline): Uncertain significance (1 of 4 stars; one submission).

Conditions:
Oto-palato-digital syndrome, type II (OPD2). Also called: FACIOPALATOOSSEOUS SYNDROME; OPD II SYNDROME; Otopalatodigital Syndrome, Type II; Otopalatodigital Syndrome Type 2 (FLNA-OPD2). Identifiers: Orphanet 669, Orphanet 90652, MedGen C1844696, MONDO:0010571, OMIM 304120.
Heterotopia, periventricular, X-linked dominant (PVNH1). Also called: PERIVENTRICULAR NODULAR HETEROTOPIA 1; X-linked periventricular heterotopia; PERIVENTRICULAR NODULAR HETEROTOPIA 4; HETEROTOPIA, PERIVENTRICULAR, 1. Identifiers: Orphanet 2149, Orphanet 82004, MedGen C1848213, MONDO:0010233, OMIM 300049.
Frontometaphyseal dysplasia (FMD1). Identifiers: Orphanet 1826, MedGen C0265293, MONDO:0015942.
Melnick-Needles syndrome (MNS). Also called: MELNICK-NEEDLES OSTEODYSPLASTY; OSTEODYSPLASTY OF MELNICK AND NEEDLES; Melnick-Needles Syndrome (FLNA-MNS). Identifiers: Orphanet 2484, MedGen C0025237, MONDO:0010650, OMIM 309350.

Submission:

Labcorp Genetics (formerly Invitae), Labcorp
Classification: Uncertain significance for Oto-palato-digital syndrome, type II; Heterotopia, periventricular, X-linked dominant; Frontometaphyseal dysplasia; Melnick-Needles syndrome. Last evaluated: 2023-05-25. Review status: criteria provided, single submitter. Criteria: Invitae Variant Classification Sherloc (09022015). Collection method: clinical testing. Allele origin: germline.
Comment: In summary, the available evidence is currently insufficient to determine the role of this variant in disease. Therefore, it has been classified as a Variant of Uncertain Significance. Algorithms developed to predict the effect of sequence changes on RNA splicing suggest that this variant may disrupt the consensus splice site. Experimental studies and prediction algorithms are not available or were not evaluated, and the functional significance of this variant is currently unknown. This variant has not been reported in the literature in individuals affected with FLNA-related conditions. This variant is not present in population databases (gnomAD no frequency). This variant, c.7133_7144del, results in the deletion of 4 amino acid(s) of the FLNA protein (p.Asp2378_Ala2381del), but otherwise preserves the integrity of the reading frame.